The following is an entry in ClinVar:

ClinVar aggregate classification (germline): Uncertain significance (1 of 4 stars; one submission).

Submission:

GeneDx
Classification: Uncertain significance. Last evaluated: 2024-08-16. Review status: criteria provided, single submitter. Criteria: GeneDx Variant Classification Process June 2021. Collection method: clinical testing. Allele origin: germline. Affected: yes.
Comment: Not observed at significant frequency in large population cohorts (gnomAD); In silico analysis indicates that this missense variant does not alter protein structure/function; Has not been previously published as pathogenic or benign to our knowledge

NM_001256012.3(MYH10):c.3770A>G (p.Lys1257Arg)

Gene: MYH10 (myosin heavy chain 10; minus strand). Cytogenetic location: 17p13.1.
Variant type: single nucleotide variant.
Coding change: c.3770A>G on transcript NM_001256012.3 (MANE Select); coding-DNA position 3770, A replaced by G.
Protein change: p.Lys1257Arg; replaces lysine 1257 with arginine.
Molecular consequence: missense variant.
Genome position (GRCh38, 1-based): chr17:8,499,451, T>C on the plus strand (A>G on the coding strand, the complement: MYH10 is on the minus strand). VCF-style: chr17-8499451-T-C. GRCh37 (hg19) VCF-style: chr17-8402769-T-C.
Other names: c.3704A>G, p.Lys1235Arg (NM_001256095.2); c.3707A>G, p.Lys1236Arg (NM_001375266.1); c.3677A>G, p.Lys1226Arg (NM_005964.5); short protein forms K1236R, K1226R, K1257R, K1235R.
Identifiers: ClinVar variation 3731193 (VCV003731193.1).